The following is an entry in ClinVar:

NM_032482.3(DOT1L):c.4174G>A (p.Gly1392Ser)

Gene: DOT1L (DOT1 like histone lysine methyltransferase; plus strand). Cytogenetic location: 19p13.3.
Variant type: single nucleotide variant.
Coding change: c.4174G>A on transcript NM_032482.3 (MANE Select); coding-DNA position 4174, G replaced by A.
Protein change: p.Gly1392Ser; replaces glycine 1392 with serine.
Molecular consequence: missense variant.
Genome position (GRCh38, 1-based): chr19:2,226,695, G>A. VCF-style: chr19-2226695-G-A. GRCh37 (hg19) VCF-style: chr19-2226694-G-A.
Other names: c.4174G>A, p.Gly1392Ser (NM_001411141.1); short protein forms G1392S.
Identifiers: ClinVar variation 2648966 (VCV002648966.24), dbSNP rs375002753, ClinGen allele CA9061516.

ClinVar aggregate classification (germline): Likely benign (1 of 4 stars; one submission).

Allele frequency attached by ClinVar (database versions not stated): ESP Exome Variant Server 0.00016; TOPMed 0.00023; gnomAD exomes 0.00032; ExAC 0.00039; gnomAD 0.00050.

Submission:

CeGaT Center for Human Genetics Tuebingen
Classification: Likely benign. Last evaluated: 2026-04-01. Review status: criteria provided, single submitter. Criteria: CeGaT Center For Human Genetics Tuebingen Variant Classification Criteria Version 2. Collection method: clinical testing. Allele origin: germline. Affected: yes. Observed: 2 variant alleles.
Comment: DOT1L: BP4, BS2